The following is an entry in ClinVar:

NM_002485.5(NBN):c.1403G>A (p.Arg468Lys)

Gene: NBN (nibrin; minus strand). Cytogenetic location: 8q21.3.
Variant type: single nucleotide variant.
Coding change: c.1403G>A on transcript NM_002485.5 (MANE Select); coding-DNA position 1403, G replaced by A.
Protein change: p.Arg468Lys; replaces arginine 468 with lysine.
Molecular consequence: missense variant.
Genome position (GRCh38, 1-based): chr8:89,953,686, C>T on the plus strand (G>A on the coding strand, the complement: NBN is on the minus strand). VCF-style: chr8-89953686-C-T. GRCh37 (hg19) VCF-style: chr8-90965914-C-T.
Other names: c.1157G>A, p.Arg386Lys (NM_001024688.3); short protein forms R468K, R386K.
Identifiers: ClinVar variation 411762 (VCV000411762.21), dbSNP rs781213350, ClinGen allele CA4802727.

ClinVar aggregate classification (germline): Uncertain significance. Review status: criteria provided, multiple submitters, no conflicts (2 of 4 stars). 4 submissions from 4 submitters: Uncertain significance (3). 1 of the submissions does not count toward it. Last evaluated 2024-05-26.

Conditions:
Hereditary cancer-predisposing syndrome. Also called: Hereditary neoplastic syndrome; Neoplastic Syndromes, Hereditary; Tumor predisposition; Hereditary Cancer Syndrome. Identifiers: Orphanet 140162, MedGen C0027672, MeSH D009386, MONDO:0015356.
Microcephaly, normal intelligence and immunodeficiency (NBS). Also called: IMMUNODEFICIENCY, MICROCEPHALY, AND CHROMOSOMAL INSTABILITY; SEEMANOVA SYNDROME II; Immunodeficiency, microcephaly with normal intelligence; Ataxia telangiectasia variant V1; Nijmegen breakage syndrome; Microcephaly with normal intelligence immunodeficiency and lymphoreticular malignancies. Identifiers: Orphanet 647, MedGen C0398791, MONDO:0009623, OMIM 251260.

Allele frequency attached by ClinVar (database versions not stated): TOPMed 0.00003.

Submissions (4):

Labcorp Genetics (formerly Invitae), Labcorp
Classification: Uncertain significance for Microcephaly, normal intelligence and immunodeficiency. Last evaluated: 2024-05-26. Review status: criteria provided, single submitter. Criteria: Invitae Variant Classification Sherloc (09022015). Collection method: clinical testing. Allele origin: germline.
Comment: This sequence change replaces arginine, which is basic and polar, with lysine, which is basic and polar, at codon 468 of the NBN protein (p.Arg468Lys). This variant is present in population databases (rs781213350, gnomAD 0.01%). This variant has not been reported in the literature in individuals affected with NBN-related conditions. ClinVar contains an entry for this variant (Variation ID: 411762). An algorithm developed to predict the effect of missense changes on protein structure and function (PolyPhen-2) suggests that this variant is likely to be tolerated. In summary, the available evidence is currently insufficient to determine the role of this variant in disease. Therefore, it has been classified as a Variant of Uncertain Significance.

Ambry Genetics
Classification: Uncertain significance for Hereditary cancer-predisposing syndrome. Last evaluated: 2024-03-28. Review status: criteria provided, single submitter. Criteria: Ambry Variant Classification Scheme 2023. Collection method: clinical testing. Allele origin: germline.
Comment: The p.R468K variant (also known as c.1403G>A), located in coding exon 11 of the NBN gene, results from a G to A substitution at nucleotide position 1403. The arginine at codon 468 is replaced by lysine, an amino acid with highly similar properties. This amino acid position is highly conserved in available vertebrate species. In addition, this alteration is predicted to be tolerated by in silico analysis. Since supporting evidence is limited at this time, the clinical significance of this alteration remains unclear.

Genome-Nilou Lab
Classification: Uncertain significance for Microcephaly, normal intelligence and immunodeficiency. Last evaluated: 2021-11-07. Review status: criteria provided, single submitter. Criteria: ACMG Guidelines, 2015. Collection method: clinical testing. Allele origin: germline. Affected: no.

Natera, Inc.
Classification: Uncertain significance for Nijmegen breakage syndrome. Last evaluated: 2019-11-11. Review status: no assertion criteria provided. Collection method: clinical testing. Allele origin: germline. Not counted in ClinVar's aggregate classification.